The following is an entry in ClinVar:

ClinVar aggregate classification (germline): Likely pathogenic (1 of 4 stars; one submission).

Conditions:
Episodic ataxia type 1 (EA1). Also called: ATAXIA, EPISODIC, WITH MYOKYMIA; MYOKYMIA WITH PERIODIC ATAXIA; PAROXYSMAL ATAXIA WITH NEUROMYOTONIA, HEREDITARY; Episodic ataxia/myokymia syndrome. Identifiers: Orphanet 37612, Orphanet 972, MedGen C1719788, MONDO:0008047, OMIM 160120.

Submission:

Clinical Genetics Laboratory, Skane University Hospital Lund
Classification: Likely pathogenic for Episodic ataxia type 1. Last evaluated: 2026-08-05. Review status: criteria provided, single submitter. Criteria: ACMG Guidelines, 2015. Collection method: clinical testing. Allele origin: germline. Affected: yes.
Comment: ACMG criteria used: PVS1_Strong, PM2

NM_000217.3(KCNA1):c.370G>T (p.Glu124Ter)

Gene: KCNA1 (potassium voltage-gated channel subfamily A member 1; plus strand). Cytogenetic location: 12p13.32.
Variant type: single nucleotide variant.
Coding change: c.370G>T on transcript NM_000217.3 (MANE Select); coding-DNA position 370, G replaced by T.
Protein change: p.Glu124Ter; replaces glutamic acid 124 with a stop codon.
Molecular consequence: nonsense.
Genome position (GRCh38, 1-based): chr12:4,911,748, G>T. VCF-style: chr12-4911748-G-T. GRCh37 (hg19) VCF-style: chr12-5020914-G-T.
Other names: short protein forms E124*.
Identifiers: ClinVar variation 5021108 (VCV005021108.1).
Genomic context (GRCh38, chr12:4,911,748, plus strand): 5'-AGGCCGGTCAACGTGCCCCTGGACATGTTCTCCGAGGAGATCAAGTTTTACGAGTTGGGC[G>T]AGGAGGCCATGGAGAAGTTCCGGGAGGACGAGGGCTTCATCAAGGAGGAGGAGCGCCCTC-3'